The following is an entry in ClinVar:

NM_002204.4(ITGA3):c.725C>G (p.Pro242Arg)

Gene: ITGA3 (integrin subunit alpha 3; plus strand). Cytogenetic location: 17q21.33.
Variant type: single nucleotide variant.
Coding change: c.725C>G on transcript NM_002204.4 (MANE Select); coding-DNA position 725, C replaced by G.
Protein change: p.Pro242Arg; replaces proline 242 with arginine.
Molecular consequence: missense variant.
Genome position (GRCh38, 1-based): chr17:50,070,904, C>G. VCF-style: chr17-50070904-C-G. GRCh37 (hg19) VCF-style: chr17-48148268-C-G.
Other names: NM_005501.2:c.725C>G; short protein forms P242R.
Identifiers: ClinVar variation 2198111 (VCV002198111.6), dbSNP rs557617782, ClinGen allele CA8641324.

ClinVar aggregate classification (germline): Uncertain significance. Review status: criteria provided, multiple submitters, no conflicts (2 of 4 stars). 3 submissions from 3 submitters: Uncertain significance (3). Last evaluated 2025-05-06.

Conditions:
Epidermolysis bullosa, junctional 7, with interstitial lung disease and nephrotic syndrome. Also called: Interstitial lung disease, nephrotic syndrome, and epidermolysis bullosa, congenital; Interstitial Lung Disease with Nephrotic Syndrome and Epidermolysis Bullosa. Identifiers: Orphanet 306504, MedGen C4518785, MONDO:0013881, OMIM 614748.
Inborn genetic diseases. Identifiers: MedGen C0950123, MeSH D030342.

Allele frequency attached by ClinVar (database versions not stated): gnomAD exomes 0.00014; gnomAD 0.00004; TOPMed 0.00006; ExAC 0.00007.
gnomAD v4.1: 211 of 1,610,658 alleles (0.013%); highest among the groups gnomAD compares: Non-Finnish European, 0.017%; no homozygotes.

Submissions (3):

Ambry Genetics
Classification: Uncertain significance for Inborn genetic diseases. Last evaluated: 2025-05-06. Review status: criteria provided, single submitter. Criteria: Ambry Variant Classification Scheme 2023. Collection method: clinical testing. Allele origin: germline.

Labcorp Genetics (formerly Invitae), Labcorp
Classification: Uncertain significance. Last evaluated: 2024-12-07. Review status: criteria provided, single submitter. Criteria: Invitae Variant Classification Sherloc (09022015). Collection method: clinical testing. Allele origin: germline.
Comment: This sequence change replaces proline, which is neutral and non-polar, with arginine, which is basic and polar, at codon 242 of the ITGA3 protein (p.Pro242Arg). This variant is present in population databases (rs557617782, gnomAD 0.01%). This variant has not been reported in the literature in individuals affected with ITGA3-related conditions. ClinVar contains an entry for this variant (Variation ID: 2198111). Invitae Evidence Modeling of protein sequence and biophysical properties (such as structural, functional, and spatial information, amino acid conservation, physicochemical variation, residue mobility, and thermodynamic stability) indicates that this missense variant is not expected to disrupt ITGA3 protein function with a negative predictive value of 80%. In summary, the available evidence is currently insufficient to determine the role of this variant in disease. Therefore, it has been classified as a Variant of Uncertain Significance.

Fulgent Genetics
Classification: Uncertain significance for Epidermolysis bullosa, junctional 7, with interstitial lung disease and nephrotic syndrome. Last evaluated: 2024-06-18. Review status: criteria provided, single submitter. Criteria: ACMG Guidelines, 2015. Collection method: clinical testing. Allele origin: germline.